The following is an entry in ClinVar:

NM_001672.3(ASIP):c.207_209del (p.Lys70del)

Genes: AHCY (adenosylhomocysteinase; minus strand), ASIP (agouti signaling protein; plus strand). Cytogenetic location: 20q11.22.
Variant type: Deletion.
Coding change: c.207_209del on transcript NM_001672.3 (MANE Select); coding-DNA positions 207 to 209, 3 bases deleted (GAA; older notation c.207_209delGAA).
Protein change: p.Lys70del; deletes lysine 70.
Molecular consequence: inframe deletion.
Genome position (GRCh38, 1-based): chr20:34,262,878-34,262,880, GAA deleted; deleting any 3 consecutive bases within chr20:34,262,876-34,262,880 gives the same sequence; the c. name uses the placement nearest the transcript's 3' end. VCF-style (leftmost placement, unchanged base first): chr20-34262875-AAAG-A. GRCh37 (hg19) VCF-style: chr20-32850681-AAAG-A.
Other names: c.207_209del, p.Lys70del (NM_001385218.1); short protein forms K70del.
Identifiers: ClinVar variation 4986147 (VCV004986147.1).

ClinVar aggregate classification (germline): Uncertain significance (1 of 4 stars; one submission).

Conditions:
ASIP-related condition.

Submission:

PreventionGenetics, part of Exact Sciences
Classification: Uncertain significance for ASIP-related condition. Last evaluated: 2026-07-24. Review status: criteria provided, single submitter. Criteria: ACMG Guidelines, 2015. Collection method: clinical testing. Allele origin: germline.
Comment: The ASIP c.207_209delGAA variant is predicted to result in an in-frame deletion (p.Lys70del). To our knowledge, this variant has not been reported in the literature or in a large population database (gnomAD), indicating this variant is rare. At this time, the clinical significance of this variant is uncertain due to the absence of conclusive functional and genetic evidence.